The following is an entry in ClinVar:

NM_003680.4(YARS1):c.1507G>C (p.Ala503Pro)

Gene: YARS1 (tyrosyl-tRNA synthetase 1; minus strand). Cytogenetic location: 1p35.1.
Variant type: single nucleotide variant.
Coding change: c.1507G>C on transcript NM_003680.4 (MANE Select); coding-DNA position 1507, G replaced by C.
Protein change: p.Ala503Pro; replaces alanine 503 with proline.
Molecular consequence: missense variant.
Genome position (GRCh38, 1-based): chr1:32,776,061, C>G on the plus strand (G>C on the coding strand, the complement: YARS1 is on the minus strand). VCF-style: chr1-32776061-C-G. GRCh37 (hg19) VCF-style: chr1-33241662-C-G.
Other names: short protein forms A503P.
Identifiers: ClinVar variation 2751217 (VCV002751217.3), dbSNP rs778099655, ClinGen allele CA339678847.
Genomic context (GRCh38, chr1:32,776,061, plus strand): 5'-TCAGCGATTTACAGGAAATGGAGCCCAGCTTGGTCATGAAGTTGGTTTGCTTCCACTGTG[C>G]GATGCACTCCTCAGAAATTTTGAAGTCAGCCTGGACAAGACAGATAAGAGAGATTTTAAT-3'
Protein context (NP_003671.1, residues 493-513): ADFKISEECI[Ala503Pro]QWKQTNFMTK

ClinVar aggregate classification (germline): Uncertain significance (1 of 4 stars; one submission).

Conditions:
Charcot-Marie-Tooth disease dominant intermediate C (CMTDIC). Also called: CHARCOT-MARIE-TOOTH NEUROPATHY, DOMINANT INTERMEDIATE C. Identifiers: Orphanet 100045, MedGen C1842237, MONDO:0012012, OMIM 608323.

Submission:

Labcorp Genetics (formerly Invitae), Labcorp
Classification: Uncertain significance for Charcot-Marie-Tooth disease dominant intermediate C. Last evaluated: 2023-08-08. Review status: criteria provided, single submitter. Criteria: Invitae Variant Classification Sherloc (09022015). Collection method: clinical testing. Allele origin: germline.
Comment: This sequence change replaces alanine, which is neutral and non-polar, with proline, which is neutral and non-polar, at codon 503 of the YARS protein (p.Ala503Pro). This variant is not present in population databases (gnomAD no frequency). This variant has not been reported in the literature in individuals affected with YARS-related conditions. Advanced modeling of protein sequence and biophysical properties (such as structural, functional, and spatial information, amino acid conservation, physicochemical variation, residue mobility, and thermodynamic stability) performed at Invitae indicates that this missense variant is not expected to disrupt YARS protein function. In summary, the available evidence is currently insufficient to determine the role of this variant in disease. Therefore, it has been classified as a Variant of Uncertain Significance.